The following is an entry in ClinVar:

NM_006231.4(POLE):c.6251C>G (p.Ser2084Ter)

Gene: POLE (DNA polymerase epsilon, catalytic subunit; minus strand). Cytogenetic location: 12q24.33.
Variant type: single nucleotide variant.
Coding change: c.6251C>G on transcript NM_006231.4 (MANE Select); coding-DNA position 6251, C replaced by G.
Protein change: p.Ser2084Ter; replaces serine 2084 with a stop codon.
Molecular consequence: nonsense.
Genome position (GRCh38, 1-based): chr12:132,632,394, G>C on the plus strand (C>G on the coding strand, the complement: POLE is on the minus strand). VCF-style: chr12-132632394-G-C. GRCh37 (hg19) VCF-style: chr12-133208980-G-C.
Other names: short protein forms S2084*.
Identifiers: ClinVar variation 2715699 (VCV002715699.3), dbSNP rs748371797, ClinGen allele CA387369535.

ClinVar aggregate classification (germline): Pathogenic (1 of 4 stars; one submission).

Submission:

Labcorp Genetics (formerly Invitae), Labcorp
Classification: Pathogenic. Last evaluated: 2025-09-30. Review status: criteria provided, single submitter. Criteria: Invitae Variant Classification Sherloc (09022015). Collection method: clinical testing. Allele origin: germline.
Comment: This sequence change creates a premature translational stop signal (p.Ser2084*) in the POLE gene. It is expected to result in an absent or disrupted protein product. Loss-of-function variants in POLE are known to be pathogenic (PMID: 23230001, 25948378, 30503519). This variant is not present in population databases (gnomAD no frequency). This variant has not been reported in the literature in individuals affected with POLE-related conditions. ClinVar contains an entry for this variant (Variation ID: 2715699). For these reasons, this variant has been classified as Pathogenic.

Literature cited by the submitters: PubMed 23230001; PubMed 25948378; PubMed 30503519.